The following is an entry in ClinVar:

NM_017514.5(PLXNA3):c.444C>T (p.Pro148=)

Gene: PLXNA3 (plexin A3; plus strand). Cytogenetic location: Xq28.
Variant type: single nucleotide variant.
Coding change: c.444C>T on transcript NM_017514.5 (MANE Select); coding-DNA position 444, C replaced by T.
Protein change: p.Pro148=; no amino-acid change (proline 148 retained).
Molecular consequence: synonymous variant.
Genome position (GRCh38, 1-based): chrX:154,460,627, C>T. VCF-style: chrX-154460627-C-T. GRCh37 (hg19) VCF-style: chrX-153688967-C-T.
Identifiers: ClinVar variation 3048174 (VCV003048174.2), dbSNP rs188830708, ClinGen allele CA10563690.
Genomic context (GRCh38, chrX:154,460,627, plus strand): 5'-CTTCAAGCTGGGTGAGCCGCACCACCGCAAGGAGCACTACCTGTCGGGGGCCCAGGAGCC[C>T]GACTCCATGGCTGGTGTCATTGTGGAGCAGGGCCAGGGGCCCAGCAAGCTGTTTGTGGGC-3'
Protein context (NP_059984.3, residues 138-158): KEHYLSGAQE[Pro148=]DSMAGVIVEQ

ClinVar aggregate classification (germline): Likely benign (0 of 4 stars; one submission).

Conditions:
PLXNA3-related disorder. Also called: PLXNA3-related condition.

Allele frequency attached by ClinVar (database versions not stated): gnomAD exomes 0.00016; ExAC 0.00020; gnomAD 0.00025; ESP Exome Variant Server 0.00028; TOPMed 0.00032; 1000 Genomes Project 30x 0.00083; 1000 Genomes Project 0.00106.
gnomAD v4.1: 205 of 1,186,782 alleles (0.017%); highest among the groups gnomAD compares: East Asian, 0.11%; no homozygotes.

Submission:

PreventionGenetics, part of Exact Sciences
Classification: Likely benign for PLXNA3-related condition. Last evaluated: 2019-11-27. Review status: no assertion criteria provided. Collection method: clinical testing. Allele origin: germline.
Comment: This variant is classified as likely benign based on ACMG/AMP sequence variant interpretation guidelines (Richards et al. 2015 PMID: 25741868, with internal and published modifications).